The following is an entry in ClinVar:

NM_000334.4(SCN4A):c.703+55T>C

Gene: SCN4A (sodium voltage-gated channel alpha subunit 4; minus strand). Cytogenetic location: 17q23.3.
Variant type: single nucleotide variant.
Coding change: c.703+55T>C on transcript NM_000334.4 (MANE Select); 55 bases into the intron after coding-DNA position 703, T replaced by C.
Molecular consequence: intron variant.
Genome position (GRCh38, 1-based): chr17:63,971,107, A>G on the plus strand (T>C on the coding strand, the complement: SCN4A is on the minus strand). VCF-style: chr17-63971107-A-G. GRCh37 (hg19) VCF-style: chr17-62048467-A-G.
Identifiers: ClinVar variation 669348 (VCV000669348.2), dbSNP rs2302236, ClinGen allele CA14498415.

ClinVar aggregate classification (germline): Benign. Review status: criteria provided, multiple submitters, no conflicts (2 of 4 stars). 2 submissions from 2 submitters: Benign (2). Last evaluated 2018-06-14.

Allele frequency attached by ClinVar (database versions not stated): 1000 Genomes Project 30x 0.81558; 1000 Genomes Project 0.81609; TOPMed 0.85052; gnomAD 0.85739; ESP Exome Variant Server 0.87276; gnomAD exomes 0.88303.
gnomAD v4.1: 1,012,493 of 1,152,378 alleles (88%); highest among the groups gnomAD compares: Non-Finnish European, 90%; 445,863 homozygotes.

Submissions (2):

GeneDx
Classification: Benign. Last evaluated: 2018-06-14. Review status: criteria provided, single submitter. Criteria: GeneDx Variant Classification (06012015). Collection method: clinical testing. Allele origin: germline. Affected: yes.
Comment: This variant is considered likely benign or benign based on one or more of the following criteria: it is a conservative change, it occurs at a poorly conserved position in the protein, it is predicted to be benign by multiple in silico algorithms, and/or has population frequency not consistent with disease.

Breakthrough Genomics
Classification: Benign. Review status: criteria provided, single submitter. Criteria: ACMG Guidelines, 2015. Collection method: not provided. Allele origin: germline. Inheritance: Autosomal recessive inheritance. Affected: yes.